The following is an entry in ClinVar:

NM_130849.4(SLC39A4):c.193-29C>T

Gene: SLC39A4 (solute carrier family 39 member 4; minus strand). Cytogenetic location: 8q24.3.
Variant type: single nucleotide variant.
Coding change: c.193-29C>T on transcript NM_130849.4 (MANE Select); 29 bases into the intron before coding-DNA position 193, C replaced by T.
Molecular consequence: intron variant. On other transcripts: missense variant (1).
Genome position (GRCh38, 1-based): chr8:144,416,120, G>A on the plus strand (C>T on the coding strand, the complement: SLC39A4 is on the minus strand). VCF-style: chr8-144416120-G-A. GRCh37 (hg19) VCF-style: chr8-145641504-G-A.
Other names: c.89C>T, p.Ala30Val (NM_017767.3); c.192+478C>T (NM_001374839.1); short protein forms A30V.
Identifiers: ClinVar variation 3058162 (VCV003058162.2), dbSNP rs201917734, ClinGen allele CA4941786.

ClinVar aggregate classification (germline): Likely benign (0 of 4 stars; one submission).

Conditions:
SLC39A4-related disorder. Also called: SLC39A4-related condition.

Allele frequency attached by ClinVar (database versions not stated): 1000 Genomes Project 30x 0.00031; ExAC 0.00038; 1000 Genomes Project 0.00040; ESP Exome Variant Server 0.00072; gnomAD 0.00077; TOPMed 0.00097.
gnomAD v4.1: 230 of 1,599,526 alleles (0.014%); highest among the groups gnomAD compares: African/African-American, 0.28%; 2 homozygotes.

Submission:

PreventionGenetics, part of Exact Sciences
Classification: Likely benign for SLC39A4-related condition. Last evaluated: 2022-05-10. Review status: no assertion criteria provided. Collection method: clinical testing. Allele origin: germline.
Comment: This variant is classified as likely benign based on ACMG/AMP sequence variant interpretation guidelines (Richards et al. 2015 PMID: 25741868, with internal and published modifications).